The following is an entry in ClinVar:

ClinVar aggregate classification (germline): Benign/Likely benign. Review status: criteria provided, multiple submitters, no conflicts (2 of 4 stars). 8 submissions from 8 submitters: Benign (6); Likely benign (2). Last evaluated 2026-02-04.

Conditions:
Primary ciliary dyskinesia. Also called: Ciliary dyskinesia. Identifiers: Orphanet 244, MedGen C0008780, MONDO:0016575, HP:0012265.

Allele frequency attached by ClinVar (database versions not stated): ESP Exome Variant Server 0.02707; gnomAD 0.05642 and 0.06104; TOPMed 0.07716; ExAC 0.08639; gnomAD exomes 0.09787; 1000 Genomes Project 0.11721; 1000 Genomes Project 30x 0.11836.
gnomAD v4.1: 79,059 of 1,613,638 alleles (4.9%); highest among the groups gnomAD compares: Admixed American, 32%; 6,200 homozygotes.

Submissions (8):

Labcorp Genetics (formerly Invitae), Labcorp
Classification: Benign for Primary ciliary dyskinesia. Last evaluated: 2026-02-04. Review status: criteria provided, single submitter. Criteria: Invitae Variant Classification Sherloc (09022015). Collection method: clinical testing. Allele origin: germline.

Blueprint Genetics
Classification: Likely benign. Last evaluated: 2024-11-28. Review status: criteria provided, single submitter. Criteria: ACMG Guidelines, 2015. Collection method: clinical testing. Allele origin: germline.

Mayo Clinic Laboratories, Mayo Clinic
Classification: Benign. Last evaluated: 2022-04-26. Review status: criteria provided, single submitter. Criteria: ACMG Guidelines, 2015. Collection method: clinical testing. Allele origin: germline. Observed: 25 variant alleles.

GeneDx
Classification: Benign. Last evaluated: 2018-07-05. Review status: criteria provided, single submitter. Criteria: GeneDx Variant Classification Process June 2021. Collection method: clinical testing. Allele origin: germline. Affected: yes.

Ambry Genetics
Classification: Benign for Primary ciliary dyskinesia. Last evaluated: 2016-07-15. Review status: criteria provided, single submitter. Criteria: Ambry Variant Classification Scheme 2023. Collection method: clinical testing. Allele origin: germline.

Laboratory for Molecular Medicine, Mass General Brigham Personalized Medicine
Classification: Benign. Last evaluated: 2016-03-28. Review status: criteria provided, single submitter. Criteria: LMM Criteria. Collection method: clinical testing. Allele origin: germline.
Comment: Variant identified in a genome or exome case(s) and assessed due to predicted null impact of the variant or pathogenic assertions in the literature or databases. Disclaimer: This variant has not undergone full assessment. The following are preliminary notes: Frequency

Breakthrough Genomics
Classification: Likely benign. Review status: criteria provided, single submitter. Criteria: ACMG Guidelines, 2015. Collection method: not provided. Allele origin: germline. Inheritance: Autosomal recessive inheritance. Affected: yes.

PreventionGenetics, part of Exact Sciences
Classification: Benign. Review status: criteria provided, single submitter. Criteria: ACMG Guidelines, 2015. Collection method: clinical testing. Allele origin: germline.

NM_001256715.2(DNAAF3):c.1001T>C (p.Leu334Pro)

Genes: DNAAF3-AS1 (DNAAF3 antisense RNA 1; plus strand), DNAAF3 (dynein axonemal assembly factor 3; minus strand), LOC130065090 (ATAC-STARR-seq lymphoblastoid silent region 11016; plus strand). Cytogenetic location: 19q13.42.
Variant type: single nucleotide variant.
Coding change: c.1001T>C on transcript NM_001256715.2 (MANE Select); coding-DNA position 1001, T replaced by C.
Protein change: p.Leu334Pro; replaces leucine 334 with proline.
Molecular consequence: missense variant.
Genome position (GRCh38, 1-based): chr19:55,160,687, A>G on the plus strand (T>C on the coding strand, the complement: DNAAF3 is on the minus strand). VCF-style: chr19-55160687-A-G. GRCh37 (hg19) VCF-style: chr19-55672055-A-G.
Other names: p.Leu402Pro; c.1205T>C, p.Leu402Pro (NM_001256714.1); c.839T>C, p.Leu280Pro (NM_001256716.2); c.1142T>C, p.Leu381Pro (NM_178837.4); short protein forms L381P, L402P, L280P, L334P.
Identifiers: ClinVar variation 257679 (VCV000257679.24), dbSNP rs890871, ClinGen allele CA9667977.
Genomic context (GRCh38, chr19:55,160,687, plus strand): 5'-GTCCCTGGCTTACCTGGAGTCCCTGGCTCCGGGCTTCCCTCCGCGTGCTGCTGCTCCTCC[A>G]GGTCCCCCCCGGTGGCTCTCGCGCGCCCCCAGGCGGCCACGTCGCGGAGCAGCTCCGTCA-3'
Protein context (NP_001243644.1, residues 324-344): WGRARATGGD[Leu334Pro]EEQQHAEGSP